The following is an entry in ClinVar:

NM_001365536.1(SCN9A):c.3675C>A (p.Ile1225=)

Genes: SCN1A-AS1 (SCN1A and SCN9A antisense RNA 1; plus strand), SCN9A (sodium voltage-gated channel alpha subunit 9; minus strand). Cytogenetic location: 2q24.3.
Variant type: single nucleotide variant.
Coding change: c.3675C>A on transcript NM_001365536.1 (MANE Select); coding-DNA position 3675, C replaced by A.
Protein change: p.Ile1225=; no amino-acid change (isoleucine 1225 retained).
Molecular consequence: synonymous variant.
Genome position (GRCh38, 1-based): chr2:166,238,220, G>T on the plus strand (C>A on the coding strand, the complement: SCN9A is on the minus strand). VCF-style: chr2-166238220-G-T. GRCh37 (hg19) VCF-style: chr2-167094730-G-T.
Other names: c.3642C>A, p.Ile1214= (NM_002977.4).
Identifiers: ClinVar variation 130264 (VCV000130264.30), dbSNP rs77144869, ClinGen allele CA155128.

ClinVar aggregate classification (germline): Benign. Review status: criteria provided, multiple submitters, no conflicts (2 of 4 stars). 10 submissions from 8 submitters: Benign (7). 3 of the submissions do not count toward it. Last evaluated 2026-02-02.

Conditions:
Neuropathy, hereditary sensory and autonomic, type 2A (HSAN2A). Also called: WNK1-Related HSAN2 (HSAN2A); NEUROPATHY, CONGENITAL SENSORY; NEUROPATHY, HEREDITARY SENSORY RADICULAR, AUTOSOMAL RECESSIVE; NEUROPATHY, HEREDITARY SENSORY, TYPE IIA; NEUROPATHY, PROGRESSIVE SENSORY, OF CHILDREN; HSAN IIA. Identifiers: Orphanet 970, MedGen C2752089, MONDO:0024309, OMIM 201300.
Generalized epilepsy with febrile seizures plus, type 7 (GEFSP7). Also called: GEFS+, TYPE 7. Identifiers: Orphanet 36387, MedGen C2751778, MONDO:0013470, OMIM 613863.
Channelopathy-associated congenital insensitivity to pain, autosomal recessive. Also called: Insensitivity to pain, channelopathy-associated; ASYMBOLIA FOR PAIN; CONGENITAL ANALGESIA, AUTOSOMAL RECESSIVE. Identifiers: Orphanet 88642, Orphanet 970, MedGen C1855739, MONDO:0009459, OMIM 243000.
Primary erythromelalgia. Also called: SCN9A Erythromelalgia (SCN9A-EM); primary erythermalgia. Identifiers: Orphanet 306577, Orphanet 90026, MedGen C0014805, MONDO:0007571, OMIM 133020.
Paroxysmal extreme pain disorder (PEXPD). Also called: SCN9A Paroxysmal Extreme Pain Disorder (SCN9A-PEPD); PAIN, SUBMANDIBULAR, OCULAR, AND RECTAL, WITH FLUSHING; RECTAL PAIN, FAMILIAL. Identifiers: Orphanet 46348, MedGen C1833661, MONDO:0008179, OMIM 167400.

Allele frequency attached by ClinVar (database versions not stated): ESP Exome Variant Server 0.00024; gnomAD exomes 0.00139 and 0.00426; gnomAD 0.00141 and 0.00210; TOPMed 0.00419; ExAC 0.00595; 1000 Genomes Project 30x 0.00843; 1000 Genomes Project 0.00938.
gnomAD v4.1: 2,459 of 1,600,150 alleles (0.15%); highest among the groups gnomAD compares: East Asian, 4.2%; 52 homozygotes.

Submissions (10):

Labcorp Genetics (formerly Invitae), Labcorp
Classification: Benign for Neuropathy, hereditary sensory and autonomic, type 2A; Generalized epilepsy with febrile seizures plus, type 7. Last evaluated: 2026-02-02. Review status: criteria provided, single submitter. Criteria: Invitae Variant Classification Sherloc (09022015). Collection method: clinical testing. Allele origin: germline.

Illumina Laboratory Services, Illumina
Classification: Benign for Paroxysmal extreme pain disorder. Last evaluated: 2018-01-13. Review status: criteria provided, single submitter. Criteria: ICSL Variant Classification Criteria 13 December 2019. Collection method: clinical testing. Allele origin: germline.
Comment: This variant was observed in the ICSL laboratory as part of a predisposition screen in an ostensibly healthy population. It had not been previously curated by ICSL or reported in the Human Gene Mutation Database (HGMD: prior to June 1st, 2018), and was therefore a candidate for classification through an automated scoring system. Utilizing variant allele frequency, disease prevalence and penetrance estimates, and inheritance mode, an automated score was calculated to assess if this variant is too frequent to cause the disease. Based on the score and internal cut-off values, a variant classified as benign is not then subjected to further curation. The score for this variant resulted in a classification of benign for this disease.

Illumina Laboratory Services, Illumina
Classification: Benign for Primary erythromelalgia. Last evaluated: 2018-01-13. Review status: criteria provided, single submitter. Criteria: ICSL Variant Classification Criteria 13 December 2019. Collection method: clinical testing. Allele origin: germline.
Comment: the same text as in the submission from Illumina Laboratory Services, Illumina above.

Illumina Laboratory Services, Illumina
Classification: Benign for Channelopathy-associated congenital insensitivity to pain, autosomal recessive. Last evaluated: 2018-01-13. Review status: criteria provided, single submitter. Criteria: ICSL Variant Classification Criteria 13 December 2019. Collection method: clinical testing. Allele origin: germline.
Comment: the same text as in the submission from Illumina Laboratory Services, Illumina above.

Eurofins Ntd Llc (ga)
Classification: Benign. Last evaluated: 2015-03-19. Review status: criteria provided, single submitter. Criteria: EGL Classification Definitions 2015. Collection method: clinical testing. Allele origin: germline. Observed: 1 variant allele, 1 heterozygote.

GeneDx
Classification: Benign. Last evaluated: 2015-03-03. Review status: criteria provided, single submitter. Criteria: GeneDx Variant Classification Process June 2021. Collection method: clinical testing. Allele origin: germline. Affected: yes.

PreventionGenetics, part of Exact Sciences
Classification: Benign. Review status: criteria provided, single submitter. Criteria: ACMG Guidelines, 2015. Collection method: clinical testing. Allele origin: germline.

Clinical Genetics, Academic Medical Center
Classification: Benign. Review status: no assertion criteria provided. Collection method: clinical testing. Allele origin: germline. Affected: yes. Study: VKGL Data-share Consensus. Not counted in ClinVar's aggregate classification.

Genetic Services Laboratory, University of Chicago
Classification: Likely benign for AllHighlyPenetrant. Review status: no assertion criteria provided. Collection method: clinical testing. Allele origin: germline. Inheritance: Autosomal dominant inheritance. Not counted in ClinVar's aggregate classification.
Comment: Likely benign based on allele frequency in 1000 Genomes Project or ESP global frequency and its presence in a patient with a rare or unrelated disease phenotype. NOT Sanger confirmed.

Joint Genome Diagnostic Labs from Nijmegen and Maastricht, Radboudumc and MUMC+
Classification: Benign. Review status: no assertion criteria provided. Collection method: clinical testing. Allele origin: germline. Affected: yes. Study: VKGL Data-share Consensus. Not counted in ClinVar's aggregate classification.